The following is an entry in ClinVar:

NM_001283009.2(RTEL1):c.2509G>T (p.Ala837Ser)

Genes: RTEL1 (regulator of telomere elongation helicase 1; plus strand), RTEL1-TNFRSF6B (RTEL1-TNFRSF6B readthrough (NMD candidate); plus strand). Cytogenetic location: 20q13.33.
Variant type: single nucleotide variant.
Coding change: c.2509G>T on transcript NM_001283009.2 (MANE Select); coding-DNA position 2509, G replaced by T.
Protein change: p.Ala837Ser; replaces alanine 837 with serine.
Molecular consequence: missense variant. On other transcripts: non-coding transcript variant (1).
Genome position (GRCh38, 1-based): chr20:63,690,900, G>T. VCF-style: chr20-63690900-G-T. GRCh37 (hg19) VCF-style: chr20-62322253-G-T.
Other names: c.1840G>T, p.Ala614Ser (NM_001283010.1); c.2509G>T, p.Ala837Ser (NM_016434.4); c.2581G>T, p.Ala861Ser (NM_032957.5); short protein forms A614S, A837S, A861S.
Identifiers: ClinVar variation 2418645 (VCV002418645.6), dbSNP rs753435220, ClinGen allele CA409681698.

ClinVar aggregate classification (germline): Uncertain significance. Review status: criteria provided, multiple submitters, no conflicts (2 of 4 stars). 2 submissions from 2 submitters: Uncertain significance (2). Last evaluated 2025-11-18.

Conditions:
Inborn genetic diseases. Identifiers: MedGen C0950123, MeSH D030342.
Dyskeratosis congenita, autosomal recessive 5 (DKCB5). Identifiers: MedGen C3554656, MONDO:0014076, OMIM 615190.
Pulmonary fibrosis and/or bone marrow failure, Telomere-related, 3. Also called: PULMONARY FIBROSIS AND/OR BONE MARROW FAILURE SYNDROME, TELOMERE-RELATED, 3. Identifiers: Orphanet 2032, MedGen C4225346, MONDO:0014613, OMIM 616373.

gnomAD v4.1: 4 of 1,581,206 alleles (0.00025%); highest among the groups gnomAD compares: Non-Finnish European, 0.00026%; no homozygotes.

Submissions (2):

Ambry Genetics
Classification: Uncertain significance for Inborn genetic diseases. Last evaluated: 2025-11-18. Review status: criteria provided, single submitter. Criteria: Ambry Variant Classification Scheme 2023. Collection method: clinical testing. Allele origin: germline.
Comment: The p.A837S variant (also known as c.2509G>T), located in coding exon 26 of the RTEL1 gene, results from a G to T substitution at nucleotide position 2509. The alanine at codon 837 is replaced by serine, an amino acid with similar properties. This amino acid position is conserved. In addition, this alteration is predicted to be tolerated by in silico analysis. Based on the available evidence, the clinical significance of this variant remains unclear.

Labcorp Genetics (formerly Invitae), Labcorp
Classification: Uncertain significance for Dyskeratosis congenita, autosomal recessive 5; Pulmonary fibrosis and/or bone marrow failure, Telomere-related, 3. Last evaluated: 2022-04-01. Review status: criteria provided, single submitter. Criteria: Invitae Variant Classification Sherloc (09022015). Collection method: clinical testing. Allele origin: germline.
Comment: In summary, the available evidence is currently insufficient to determine the role of this variant in disease. Therefore, it has been classified as a Variant of Uncertain Significance. Algorithms developed to predict the effect of missense changes on protein structure and function are either unavailable or do not agree on the potential impact of this missense change (SIFT: "Deleterious"; PolyPhen-2: "Possibly Damaging"; Align-GVGD: "Class C0"). This variant has not been reported in the literature in individuals affected with RTEL1-related conditions. This variant is not present in population databases (gnomAD no frequency). This sequence change replaces alanine, which is neutral and non-polar, with serine, which is neutral and polar, at codon 837 of the RTEL1 protein (p.Ala837Ser).